The following is an entry in ClinVar:

ClinVar aggregate classification (germline): Likely pathogenic. Review status: criteria provided, multiple submitters, no conflicts (2 of 4 stars). 2 submissions from 2 submitters: Likely pathogenic (2). Last evaluated 2023-05-15.

Conditions:
Familial cancer of breast. Also called: BREAST CANCER, FAMILIAL; Hereditary breast cancer; hereditary breast carcinoma. Identifiers: Orphanet 227535, MedGen C0346153, MONDO:0016419, OMIM 114480. Disease mechanism: loss of function.
Ataxia-telangiectasia syndrome (AT). Also called: Cerebello-oculocutaneous telangiectasia; Immunodeficiency with ataxia telangiectasia; Ataxia-telangiectasia, complementation group E; Ataxia-telangiectasia, complementation group D; AT, COMPLEMENTATION GROUP C; ATAXIA-TELANGIECTASIA, COMPLEMENTATION GROUP A. Identifiers: Orphanet 100, MedGen C0004135, MONDO:0008840, OMIM 208900.

Submissions (2):

Labcorp Genetics (formerly Invitae), Labcorp
Classification: Likely pathogenic for Ataxia-telangiectasia syndrome. Last evaluated: 2023-05-15. Review status: criteria provided, single submitter. Criteria: Invitae Variant Classification Sherloc (09022015). Collection method: clinical testing. Allele origin: germline.
Comment: In summary, the currently available evidence indicates that the variant is pathogenic, but additional data are needed to prove that conclusively. Therefore, this variant has been classified as Likely Pathogenic. Algorithms developed to predict the effect of sequence changes on RNA splicing suggest that this variant may disrupt the consensus splice site. ClinVar contains an entry for this variant (Variation ID: 524405). This variant has not been reported in the literature in individuals affected with ATM-related conditions. This variant is not present in population databases (gnomAD no frequency). This sequence change affects an acceptor splice site in intron 44 of the ATM gene. It is expected to disrupt RNA splicing. Variants that disrupt the donor or acceptor splice site typically lead to a loss of protein function (PMID: 16199547), and loss-of-function variants in ATM are known to be pathogenic (PMID: 23807571, 25614872).

Myriad Genetics, Inc.
Classification: Likely pathogenic for Familial cancer of breast. Last evaluated: 2023-01-09. Review status: criteria provided, single submitter. Criteria: Myriad Autosomal Dominant, Autosomal Recessive and X-Linked Classification Criteria (2023). Collection method: clinical testing. Allele origin: unknown.
Comment: This variant is considered likely pathogenic. This variant occurs within a consensus splice junction and is predicted to result in abnormal mRNA splicing of either an out-of-frame exon or an in-frame exon necessary for protein stability and/or normal function.

Literature cited by the submitters: PubMed 16199547 (cited by Labcorp Genetics (formerly Invitae), Labcorp); PubMed 23807571 (cited by Labcorp Genetics (formerly Invitae), Labcorp); PubMed 25614872 (cited by Labcorp Genetics (formerly Invitae), Labcorp).

NM_000051.4(ATM):c.6453-1G>C

Genes: C11orf65 (chromosome 11 open reading frame 65; minus strand), ATM (ATM serine/threonine kinase; plus strand). Cytogenetic location: 11q22.3.
Variant type: single nucleotide variant.
Coding change: c.6453-1G>C on transcript NM_000051.4 (MANE Select); the canonical splice acceptor site of the intron before coding-DNA position 6453, G replaced by C.
Molecular consequence: splice acceptor variant. On other transcripts: intron variant (2).
Genome position (GRCh38, 1-based): chr11:108,321,300, G>C. VCF-style: chr11-108321300-G-C. GRCh37 (hg19) VCF-style: chr11-108192027-G-C.
Other names: c.641-12229C>G (NM_001330368.2); c.*39-12229C>G (NM_001351110.2); c.6453-1G>C (NM_001351834.2).
Identifiers: ClinVar variation 524405 (VCV000524405.8), dbSNP rs1555117071, ClinGen allele CA382553804.
Genomic context (GRCh38, chr11:108,321,300, plus strand): 5'-CATTTATTTCCCTGAAAACCTCTTCTTTATTTTCAGAGTGTCTTTTCTTTTTTGCTACTA[G>C]AGTAAAAGAAGTGGAAGAGATGTGTAAGCGCAGCCTTGAGTCTGTGTATTCGCTCTATCC-3'